The following is an entry in ClinVar:

NM_170784.3(MKKS):c.862G>A (p.Val288Ile)

Gene: MKKS (MKKS centrosomal shuttling protein; minus strand). Cytogenetic location: 20p12.2.
Variant type: single nucleotide variant.
Coding change: c.862G>A on transcript NM_170784.3 (MANE Select); coding-DNA position 862, G replaced by A.
Protein change: p.Val288Ile; replaces valine 288 with isoleucine.
Molecular consequence: missense variant.
Genome position (GRCh38, 1-based): chr20:10,412,653, C>T on the plus strand (G>A on the coding strand, the complement: MKKS is on the minus strand). VCF-style: chr20-10412653-C-T. GRCh37 (hg19) VCF-style: chr20-10393301-C-T.
Other names: c.862G>A, p.Val288Ile (NM_018848.3); short protein forms V288I.
Identifiers: ClinVar variation 432198 (VCV000432198.11), dbSNP rs113032343, ClinGen allele CA9763613.

ClinVar aggregate classification (germline): Conflicting classifications of pathogenicity. Review status: criteria provided, conflicting classifications (1 of 4 stars). 6 submissions from 6 submitters: Likely pathogenic (1); Uncertain significance (3). 2 of the submissions do not count toward it. Last evaluated 2024-10-08.

Conditions:
Bardet-Biedl syndrome 6 (BBS6). Identifiers: Orphanet 110, MedGen C1858054, MONDO:0011523, OMIM 605231.
McKusick-Kaufman syndrome (MKKS). Also called: HYDROMETROCOLPOS SYNDROME; HYDROMETROCOLPOS, POSTAXIAL POLYDACTYLY, AND CONGENITAL HEART MALFORMATION. Identifiers: Orphanet 2473, MedGen C0948368, MONDO:0009367, OMIM 236700.
Bardet-Biedl syndrome (BBS). Identifiers: Orphanet 110, MedGen C0752166, MONDO:0015229.
MKKS-related disorder. Also called: MKKS-related condition; MKKS-related disorders.

Allele frequency attached by ClinVar (database versions not stated): ExAC 0.00003; gnomAD exomes 0.00003; gnomAD 0.00004 and 0.00005; TOPMed 0.00006.
gnomAD v4.1: 60 of 1,614,122 alleles (0.0037%); highest among the groups gnomAD compares: African/African-American, 0.035%; 1 homozygote.

Submissions (6):

Labcorp Genetics (formerly Invitae), Labcorp
Classification: Uncertain significance for McKusick-Kaufman syndrome; Bardet-Biedl syndrome. Last evaluated: 2024-10-08. Review status: criteria provided, single submitter. Criteria: Invitae Variant Classification Sherloc (09022015). Collection method: clinical testing. Allele origin: germline.
Comment: This sequence change replaces valine, which is neutral and non-polar, with isoleucine, which is neutral and non-polar, at codon 288 of the MKKS protein (p.Val288Ile). This variant is present in population databases (rs113032343, gnomAD 0.01%). This variant has not been reported in the literature in individuals affected with MKKS-related conditions. ClinVar contains an entry for this variant (Variation ID: 432198). An algorithm developed to predict the effect of missense changes on protein structure and function outputs the following: PolyPhen-2: "Possibly Damaging". The isoleucine amino acid residue is found in multiple mammalian species, which suggests that this missense change does not adversely affect protein function. In summary, the available evidence is currently insufficient to determine the role of this variant in disease. Therefore, it has been classified as a Variant of Uncertain Significance.

Fulgent Genetics
Classification: Uncertain significance for McKusick-Kaufman syndrome; Bardet-Biedl syndrome 6. Last evaluated: 2024-03-20. Review status: criteria provided, single submitter. Criteria: ACMG Guidelines, 2015. Collection method: clinical testing. Allele origin: germline.

Blueprint Genetics
Classification: Uncertain significance. Last evaluated: 2023-08-10. Review status: criteria provided, single submitter. Criteria: ACMG Guidelines, 2015. Collection method: clinical testing. Allele origin: germline.

GeneDx
Classification: Likely pathogenic. Last evaluated: 2016-06-17. Review status: criteria provided, single submitter. Criteria: GeneDx Variant Classification (06012015). Collection method: clinical testing. Allele origin: germline. Affected: yes.
Comment: The V288I variant has not been published as a pathogenic variant, nor has it been reported as a benign variant to our knowledge. It was not observed in approximately 6,500 individuals of European and African American ancestry in the NHLBI Exome Sequencing Project, indicating it is not a common benign variant in these populations. The V288I variant is a conservative amino acid substitution, which is not likely to impact secondary protein structure as these residues share similar properties. This substitution occurs at a position where amino acids with similar properties to Valine are tolerated across species, and Isoleucine is observed at this position in evolution. However, in silico analysis is inconsistent in its predictions as to whether or not the V288I variant is damaging to the protein structure/function. Additionally, missense variants in nearby residues (D286A and V291F) have been reported in the Human Gene Mutation Database in association with MKKS-related disorders (Stenson et al., 2014). Therefore, the V288I variant is likely pathogenic; however, the possibility that it is benign cannot be excluded.

PreventionGenetics, part of Exact Sciences
Classification: Uncertain significance for MKKS-related condition. Last evaluated: 2024-08-06. Review status: no assertion criteria provided. Collection method: clinical testing. Allele origin: germline. Not counted in ClinVar's aggregate classification.
Comment: The MKKS c.862G>A variant is predicted to result in the amino acid substitution p.Val288Ile. To our knowledge, this variant has not been reported in individuals with MKKS-related disorders. This variant is reported in 0.016% of alleles in individuals of African descent in gnomAD. At this time, the clinical significance of this variant is uncertain due to the absence of conclusive functional and genetic evidence.

Department of Pathology and Laboratory Medicine, Sinai Health System
Classification: Uncertain significance. Review status: no assertion criteria provided. Collection method: clinical testing. Allele origin: unknown. Affected: yes. Study: The Canadian Open Genetics Repository (COGR). Not counted in ClinVar's aggregate classification.